The following is an entry in ClinVar:

NM_000337.6(SGCD):c.136A>G (p.Ile46Val)

Gene: SGCD (sarcoglycan delta; plus strand). Cytogenetic location: 5q33.3.
Variant type: single nucleotide variant.
Coding change: c.136A>G on transcript NM_000337.6 (MANE Select); coding-DNA position 136, A replaced by G.
Protein change: p.Ile46Val; replaces isoleucine 46 with valine.
Molecular consequence: missense variant.
Genome position (GRCh38, 1-based): chr5:156,344,621, A>G. VCF-style: chr5-156344621-A-G. GRCh37 (hg19) VCF-style: chr5-155771631-A-G.
Other names: c.133A>G, p.Ile45Val (NM_001128209.2); c.136A>G, p.Ile46Val (NM_172244.3); short protein forms I45V, I46V.
Identifiers: ClinVar variation 3317911 (VCV003317911.1).
Genomic context (GRCh38, chr5:156,344,621, plus strand): 5'-GGGATTTATGGCTGGCGGAAACGATGCCTGTATTTCTTTGTCCTGCTCCTCATGATTTTA[A>G]TACTGGTGAACTTGGCCATGACCATCTGGATTCTCAAAGTCATGAACTTCACAATTGTAA-3'
Protein context (NP_000328.2, residues 36-56): YFFVLLLMIL[Ile46Val]LVNLAMTIWI

ClinVar aggregate classification (germline): Uncertain significance (1 of 4 stars; one submission).

Conditions:
Inborn genetic diseases. Identifiers: MedGen C0950123, MeSH D030342.

gnomAD v4.1: 3 of 1,611,960 alleles (0.00019%); highest among the groups gnomAD compares: African/African-American, 0.004%; no homozygotes.

Submission:

Ambry Genetics
Classification: Uncertain significance for Inborn genetic diseases. Last evaluated: 2024-05-19. Review status: criteria provided, single submitter. Criteria: Ambry Variant Classification Scheme 2023. Collection method: clinical testing. Allele origin: germline.
Comment: The p.I46V variant (also known as c.136A>G), located in coding exon 2 of the SGCD gene, results from an A to G substitution at nucleotide position 136. The isoleucine at codon 46 is replaced by valine, an amino acid with highly similar properties. This amino acid position is conserved. In addition, the in silico prediction for this alteration is inconclusive. Based on the available evidence, the clinical significance of this variant remains unclear.